The following is an entry in ClinVar:

ClinVar aggregate classification (germline): Uncertain significance (1 of 4 stars; one submission).

Conditions:
Focal segmental glomerulosclerosis 5 (FSGS5). Identifiers: Orphanet 656, MedGen C2750475, MONDO:0013191, OMIM 613237.
Charcot-Marie-Tooth disease dominant intermediate E. Also called: CHARCOT-MARIE-TOOTH NEUROPATHY WITH FOCAL SEGMENTAL GLOMERULONEPHRITIS. Identifiers: Orphanet 93114, MedGen C4302667, MONDO:0013758, OMIM 614455.

gnomAD v4.1: 1 of 1,605,992 alleles (0.000062%); highest among the groups gnomAD compares: Non-Finnish European, 0.000085%; no homozygotes.

Submission:

Labcorp Genetics (formerly Invitae), Labcorp
Classification: Uncertain significance for Charcot-Marie-Tooth disease dominant intermediate E; Focal segmental glomerulosclerosis 5. Last evaluated: 2025-08-17. Review status: criteria provided, single submitter. Criteria: Invitae Variant Classification Sherloc (09022015). Collection method: clinical testing. Allele origin: germline.
Comment: This sequence change replaces alanine, which is neutral and non-polar, with threonine, which is neutral and polar, at codon 540 of the INF2 protein (p.Ala540Thr). This variant is not present in population databases (gnomAD no frequency). This variant has not been reported in the literature in individuals affected with INF2-related conditions. ClinVar contains an entry for this variant (Variation ID: 2931681). Invitae Evidence Modeling of protein sequence and biophysical properties (such as structural, functional, and spatial information, amino acid conservation, physicochemical variation, residue mobility, and thermodynamic stability) indicates that this missense variant is not expected to disrupt INF2 protein function with a negative predictive value of 95%. In summary, the available evidence is currently insufficient to determine the role of this variant in disease. Therefore, it has been classified as a Variant of Uncertain Significance.

NM_022489.4(INF2):c.1618G>A (p.Ala540Thr)

Gene: INF2 (inverted formin 2; plus strand). Cytogenetic location: 14q32.33.
Variant type: single nucleotide variant.
Coding change: c.1618G>A on transcript NM_022489.4 (MANE Select); coding-DNA position 1618, G replaced by A.
Protein change: p.Ala540Thr; replaces alanine 540 with threonine.
Molecular consequence: missense variant.
Genome position (GRCh38, 1-based): chr14:104,707,885, G>A. VCF-style: chr14-104707885-G-A. GRCh37 (hg19) VCF-style: chr14-105174222-G-A.
Other names: c.1618G>A, p.Ala540Thr (NM_001031714.4, NM_001426862.1, NM_001426863.1 and 2 more transcripts); short protein forms A540T.
Identifiers: ClinVar variation 2931681 (VCV002931681.3), dbSNP rs1226843023, ClinGen allele CA391217758.